The following is an entry in ClinVar:

NM_001378615.1(CC2D2A):c.1423G>A (p.Asp475Asn)

Genes: CC2D2A (coiled-coil and C2 domain containing 2A; plus strand), FBXL5 (F-box and leucine rich repeat protein 5; minus strand). Cytogenetic location: 4p15.32.
Variant type: single nucleotide variant.
Coding change: c.1423G>A on transcript NM_001378615.1 (MANE Select); coding-DNA position 1423, G replaced by A.
Protein change: p.Asp475Asn; replaces aspartic acid 475 with asparagine.
Molecular consequence: missense variant.
Genome position (GRCh38, 1-based): chr4:15,528,683, G>A. VCF-style: chr4-15528683-G-A. GRCh37 (hg19) VCF-style: chr4-15530306-G-A.
Other names: c.1423G>A, p.Asp475Asn (NM_001080522.2); c.1276G>A, p.Asp426Asn (NM_001378617.1); short protein forms D475N, D426N.
Identifiers: ClinVar variation 1921357 (VCV001921357.2), dbSNP rs779330548, ClinGen allele CA2863662.

ClinVar aggregate classification (germline): Uncertain significance (1 of 4 stars; one submission).

Conditions:
Joubert syndrome. Also called: Familial aplasia of the vermis; JOUBERT-BOLTSHAUSER SYNDROME. Identifiers: Orphanet 475, MedGen C5979921, MONDO:0018772.
Meckel-Gruber syndrome. Also called: Dysencephalia splachnocystica; DYSENCEPHALIA SPLANCHNOCYSTICA; GRUBER SYNDROME. Identifiers: Orphanet 564, MedGen C0265215, MONDO:0018921.

Allele frequency attached by ClinVar (database versions not stated): ExAC 0.00001.
gnomAD v4.1: 11 of 1,613,340 alleles (0.00068%); highest among the groups gnomAD compares: South Asian, 0.0055%; no homozygotes.

Submission:

Labcorp Genetics (formerly Invitae), Labcorp
Classification: Uncertain significance for Joubert syndrome; Meckel-Gruber syndrome. Last evaluated: 2022-07-21. Review status: criteria provided, single submitter. Criteria: Invitae Variant Classification Sherloc (09022015). Collection method: clinical testing. Allele origin: germline.
Comment: This sequence change replaces aspartic acid, which is acidic and polar, with asparagine, which is neutral and polar, at codon 475 of the CC2D2A protein (p.Asp475Asn). This variant is present in population databases (rs779330548, gnomAD 0.01%). This variant has not been reported in the literature in individuals affected with CC2D2A-related conditions. Advanced modeling of protein sequence and biophysical properties (such as structural, functional, and spatial information, amino acid conservation, physicochemical variation, residue mobility, and thermodynamic stability) performed at Invitae indicates that this missense variant is not expected to disrupt CC2D2A protein function. In summary, the available evidence is currently insufficient to determine the role of this variant in disease. Therefore, it has been classified as a Variant of Uncertain Significance.